The following is an entry in ClinVar:

ClinVar aggregate classification (germline): Uncertain significance (1 of 4 stars; one submission).

gnomAD v4.1: 12 of 1,597,342 alleles (0.00075%); highest among the groups gnomAD compares: African/African-American, 0.0013%; no homozygotes.

Submission:

Labcorp Genetics (formerly Invitae), Labcorp
Classification: Uncertain significance. Last evaluated: 2025-07-09. Review status: criteria provided, single submitter. Criteria: Invitae Variant Classification Sherloc (09022015). Collection method: clinical testing. Allele origin: germline.
Comment: This sequence change falls in intron 68 of the FRAS1 gene. It does not directly change the encoded amino acid sequence of the FRAS1 protein. It affects a nucleotide within the consensus splice site. The frequency data for this variant in the population databases is considered unreliable, as metrics indicate poor data quality at this position in the gnomAD database. This variant has not been reported in the literature in individuals affected with FRAS1-related conditions. Variants that disrupt the consensus splice site are a relatively common cause of aberrant splicing (PMID: 17576681, 9536098). Algorithms developed to predict the effect of sequence changes on RNA splicing suggest that this variant is not likely to affect RNA splicing. In summary, the available evidence is currently insufficient to determine the role of this variant in disease. Therefore, it has been classified as a Variant of Uncertain Significance.

Literature cited by the submitters: PubMed 17576681; PubMed 9536098.

NM_025074.7(FRAS1):c.10649-3T>C

Gene: FRAS1 (Fraser extracellular matrix complex subunit 1; plus strand). Cytogenetic location: 4q21.21.
Variant type: single nucleotide variant.
Coding change: c.10649-3T>C on transcript NM_025074.7 (MANE Select); 3 bases into the intron before coding-DNA position 10649, T replaced by C.
Molecular consequence: intron variant.
Genome position (GRCh38, 1-based): chr4:78,522,646, T>C. VCF-style: chr4-78522646-T-C. GRCh37 (hg19) VCF-style: chr4-79443800-T-C.
Identifiers: ClinVar variation 4772924 (VCV004772924.1).